The following is an entry in ClinVar:

NM_017777.4(MKS1):c.243G>A (p.Gln81=)

Gene: MKS1 (MKS transition zone complex subunit 1; minus strand). Cytogenetic location: 17q22.
Variant type: single nucleotide variant.
Coding change: c.243G>A on transcript NM_017777.4 (MANE Select); coding-DNA position 243, G replaced by A.
Protein change: p.Gln81=; no amino-acid change (glutamine 81 retained).
Molecular consequence: synonymous variant. On other transcripts: 5 prime UTR variant (1).
Genome position (GRCh38, 1-based): chr17:58,216,684, C>T on the plus strand (G>A on the coding strand, the complement: MKS1 is on the minus strand). VCF-style: chr17-58216684-C-T. GRCh37 (hg19) VCF-style: chr17-56294045-C-T.
Other names: c.-269G>A (NM_001321268.2); c.243G>A, p.Gln81= (NM_001321269.2, NM_001330397.2); c.243G>A (NM_017777.3).
Identifiers: ClinVar variation 1405843 (VCV001405843.10), dbSNP rs1488924614, ClinGen allele CA501036794.

ClinVar aggregate classification (germline): Likely benign. Review status: criteria provided, single submitter (1 of 4 stars). 2 submissions from 2 submitters: Likely benign (1). 1 of the submissions does not count toward it. Last evaluated 2025-09-23.

Conditions:
MKS1-related disorder. Also called: MKS1-related condition; MKS1-related disorders. Identifiers: MedGen CN239382.
Joubert syndrome. Also called: JOUBERT-BOLTSHAUSER SYNDROME; Familial aplasia of the vermis. Identifiers: Orphanet 475, MedGen C5979921, MONDO:0018772.
Meckel-Gruber syndrome. Also called: GRUBER SYNDROME; DYSENCEPHALIA SPLANCHNOCYSTICA; Dysencephalia splachnocystica. Identifiers: Orphanet 564, MedGen C0265215, MONDO:0018921.

Allele frequency attached by ClinVar (database versions not stated): gnomAD exomes 0.00001.
gnomAD v4.1: 4 of 1,614,204 alleles (0.00025%); highest among the groups gnomAD compares: Admixed American, 0.0067%; no homozygotes.

Submissions (2):

Labcorp Genetics (formerly Invitae), Labcorp
Classification: Likely benign for Joubert syndrome; Meckel-Gruber syndrome. Last evaluated: 2025-09-23. Review status: criteria provided, single submitter. Criteria: Invitae Variant Classification Sherloc (09022015). Collection method: clinical testing. Allele origin: germline.

PreventionGenetics, part of Exact Sciences
Classification: Likely benign for MKS1-related condition. Last evaluated: 2021-12-30. Review status: no assertion criteria provided. Collection method: clinical testing. Allele origin: germline. Not counted in ClinVar's aggregate classification.
Comment: This variant is classified as likely benign based on ACMG/AMP sequence variant interpretation guidelines (Richards et al. 2015 PMID: 25741868, with internal and published modifications).